The following is an entry in ClinVar:

ClinVar aggregate classification (germline): Uncertain significance. Review status: criteria provided, multiple submitters, no conflicts (2 of 4 stars). 3 submissions from 3 submitters: Uncertain significance (3). Last evaluated 2025-06-17.

Conditions:
Arrhythmogenic right ventricular dysplasia 8 (ARVD8). Also called: Arrhythmogenic Right Ventricular Dysplasia/Cardiomyopathy 8; ARRHYTHMOGENIC RIGHT VENTRICULAR DYSPLASIA, FAMILIAL, 8; ARRHYTHMOGENIC RIGHT VENTRICULAR CARDIOMYOPATHY 8. Identifiers: MedGen C1843896, MONDO:0011831, OMIM 607450.
Arrhythmogenic cardiomyopathy with wooly hair and keratoderma. Also called: Carvajal syndrome; Dilated cardiomyopathy with woolly hair and keratoderma; Arrhythmogenic cardiomyopathy with woolly hair and keratoderma; PALMOPLANTAR KERATODERMA WITH LEFT VENTRICULAR CARDIOMYOPATHY AND WOOLLY HAIR. Identifiers: Orphanet 65282, MedGen C1854063, MONDO:0011581, OMIM 605676.
Cardiomyopathy (CMYO). Also called: Cardiomyopathies. Identifiers: Orphanet 167848, MedGen C0878544, MONDO:0004994, HP:0001638. Inheritance: Various modes of inheritance.
Cardiovascular phenotype. Identifiers: MedGen CN230736.

Allele frequency attached by ClinVar (database versions not stated): gnomAD 0.00001; TOPMed 0.00001.
gnomAD v4.1: 5 of 1,613,982 alleles (0.00031%); highest among the groups gnomAD compares: Admixed American, 0.0017%; no homozygotes.

Submissions (3):

Color Diagnostics, LLC DBA Color Health
Classification: Uncertain significance for Cardiomyopathy. Last evaluated: 2025-06-17. Review status: criteria provided, single submitter. Criteria: ACMG Guidelines, 2015. Collection method: clinical testing. Allele origin: germline.
Comment: This missense variant replaces leucine with valine at codon 726 of the DSP protein. Computational prediction suggests that this variant may not impact protein structure and function. To our knowledge, functional studies have not been reported for this variant. This variant has not been reported in individuals affected with DSP-related disorders in the literature. This variant has not been identified in the general population by the Genome Aggregation Database (gnomAD). The available evidence is insufficient to determine the role of this variant in disease conclusively. Therefore, this variant is classified as a Variant of Uncertain Significance.

Ambry Genetics
Classification: Uncertain significance for Cardiovascular phenotype. Last evaluated: 2024-03-13. Review status: criteria provided, single submitter. Criteria: Ambry Variant Classification Scheme 2023. Collection method: clinical testing. Allele origin: germline.
Comment: The p.L726V variant (also known as c.2176C>G), located in coding exon 16 of the DSP gene, results from a C to G substitution at nucleotide position 2176. The leucine at codon 726 is replaced by valine, an amino acid with highly similar properties. This amino acid position is well conserved in available vertebrate species. In addition, this alteration is predicted to be tolerated by in silico analysis. Based on the available evidence, the clinical significance of this alteration remains unclear.

Labcorp Genetics (formerly Invitae), Labcorp
Classification: Uncertain significance for Arrhythmogenic cardiomyopathy with wooly hair and keratoderma; Arrhythmogenic right ventricular dysplasia 8. Last evaluated: 2023-01-03. Review status: criteria provided, single submitter. Criteria: Invitae Variant Classification Sherloc (09022015). Collection method: clinical testing. Allele origin: germline.
Comment: This variant is not present in population databases (gnomAD no frequency). In summary, the available evidence is currently insufficient to determine the role of this variant in disease. Therefore, it has been classified as a Variant of Uncertain Significance. Algorithms developed to predict the effect of missense changes on protein structure and function (SIFT, PolyPhen-2, Align-GVGD) all suggest that this variant is likely to be tolerated. ClinVar contains an entry for this variant (Variation ID: 1471694). This variant has not been reported in the literature in individuals affected with DSP-related conditions. This sequence change replaces leucine, which is neutral and non-polar, with valine, which is neutral and non-polar, at codon 726 of the DSP protein (p.Leu726Val).

NM_004415.4(DSP):c.2176C>G (p.Leu726Val)

Gene: DSP (desmoplakin; plus strand). Cytogenetic location: 6p24.3.
Variant type: single nucleotide variant.
Coding change: c.2176C>G on transcript NM_004415.4 (MANE Select); coding-DNA position 2176, C replaced by G.
Protein change: p.Leu726Val; replaces leucine 726 with valine.
Molecular consequence: missense variant.
Genome position (GRCh38, 1-based): chr6:7,574,131, C>G. VCF-style: chr6-7574131-C-G. GRCh37 (hg19) VCF-style: chr6-7574364-C-G.
Other names: c.2176C>G, p.Leu726Val (NM_001008844.3, NM_001319034.2); c.2176C>G (NM_004415.2); short protein forms L726V.
Identifiers: ClinVar variation 1471694 (VCV001471694.8), dbSNP rs1759151851, ClinGen allele CA362680735.
Genomic context (GRCh38, chr6:7,574,131, plus strand): 5'-CTTCATTTTTGACAGAGTGTGCAGAATGATTCACAAGCAATTGCTGAGGTTCTCAACCAG[C>G]TTAAAGATATGCTTGCCAACTTCAGAGGTTCTGAAAAGTACTGCTATTTACAGAATGAAG-3'
Protein context (NP_004406.2, residues 716-736): SQAIAEVLNQ[Leu726Val]KDMLANFRGS